The following is an entry in ClinVar:

NM_000198.4(HSD3B2):c.791A>G (p.Tyr264Cys)

Gene: HSD3B2 (hydroxy-delta-5-steroid dehydrogenase, 3 beta- and steroid delta-isomerase 2; plus strand). Cytogenetic location: 1p12.
Variant type: single nucleotide variant.
Coding change: c.791A>G on transcript NM_000198.4 (MANE Select); coding-DNA position 791, A replaced by G.
Protein change: p.Tyr264Cys; replaces tyrosine 264 with cysteine.
Molecular consequence: missense variant.
Genome position (GRCh38, 1-based): chr1:119,422,292, A>G. VCF-style: chr1-119422292-A-G. GRCh37 (hg19) VCF-style: chr1-119964915-A-G.
Other names: c.791A>G, p.Tyr264Cys (NM_001166120.2); short protein forms Y264C.
Identifiers: ClinVar variation 2674679 (VCV002674679.1), dbSNP rs1651911095, ClinGen allele CA341398369.
Genomic context (GRCh38, chr1:119,422,292, plus strand): 5'-AGGCCCCAAGTGTCCGAGGTCAATTCTATTACATCTCAGATGACACGCCTCACCAAAGCT[A>G]TGATAACCTTAATTACATCCTGAGCAAAGAGTTTGGCCTCCGCCTTGATTCCAGATGGAG-3'
Protein context (NP_000189.1, residues 254-274): YISDDTPHQS[Tyr264Cys]DNLNYILSKE

ClinVar aggregate classification (germline): Likely pathogenic (1 of 4 stars; one submission).

Conditions:
3 beta-Hydroxysteroid dehydrogenase deficiency. Also called: 3-BETA-HSD DEFICIENCY; ADRENAL HYPERPLASIA II; Congenital adrenal hyperplasia due to 3-beta-hydroxysteroid dehydrogenase deficiency; 3b-hydroxysteroid dehydrogenase deficiency; ADRENAL HYPERPLASIA, CONGENITAL, DUE TO 3-BETA-HYDROXYSTEROID DEHYDROGENASE 2 DEFICIENCY. Identifiers: Orphanet 90791, MedGen C0342471, MeSH C538236, MONDO:0008727, OMIM 201810. Disease mechanism: loss of function.

Submission:

Clinical Biochemistry Laboratory, Health Services Laboratory
Classification: Likely pathogenic for 3 beta-Hydroxysteroid dehydrogenase deficiency. Last evaluated: 2023-11-20. Review status: criteria provided, single submitter. Criteria: ACMG Guidelines, 2015. Collection method: clinical testing. Allele origin: germline. Affected: yes.
Comment: ACMG:PM1 PM2 PM7 PP3 PP4